The following is an entry in ClinVar:

NM_002235.5(KCNA6):c.521G>T (p.Arg174Met)

Genes: KCNA6 (potassium voltage-gated channel subfamily A member 6; plus strand), KCNA6-AS1 (KCNA6 antisense RNA 1; minus strand). Cytogenetic location: 12p13.32.
Variant type: single nucleotide variant.
Coding change: c.521G>T on transcript NM_002235.5 (MANE Select); coding-DNA position 521, G replaced by T.
Protein change: p.Arg174Met; replaces arginine 174 with methionine.
Molecular consequence: missense variant. On other transcripts: non-coding transcript variant (3).
Genome position (GRCh38, 1-based): chr12:4,810,562, G>T. VCF-style: chr12-4810562-G-T. GRCh37 (hg19) VCF-style: chr12-4919728-G-T.
Other names: short protein forms R174M.
Identifiers: ClinVar variation 3769945 (VCV003769945.1).

ClinVar aggregate classification (germline): Uncertain significance (1 of 4 stars; one submission).

Submission:

GeneDx
Classification: Uncertain significance. Last evaluated: 2024-09-16. Review status: criteria provided, single submitter. Criteria: GeneDx Variant Classification Process June 2021. Collection method: clinical testing. Allele origin: germline. Affected: yes.
Comment: Not observed at significant frequency in large population cohorts (gnomAD); In silico analysis supports that this missense variant has a deleterious effect on protein structure/function; Has not been previously published as pathogenic or benign to our knowledge